The following is an entry in ClinVar:

ClinVar aggregate classification (germline): Pathogenic (1 of 4 stars; one submission).

Submission:

Labcorp Genetics (formerly Invitae), Labcorp
Classification: Pathogenic. Last evaluated: 2023-04-07. Review status: criteria provided, single submitter. Criteria: Invitae Variant Classification Sherloc (09022015). Collection method: clinical testing. Allele origin: unknown.
Comment: For these reasons, this variant has been classified as Pathogenic. This variant has not been reported in the literature in individuals affected with CYP19A1-related conditions. This variant is a gross deletion of the genomic region encompassing exon(s) 4 of the CYP19A1 gene. This deletion is out-of-frame, and is expected to create a premature termination codon and result in an absent or disrupted protein product. Loss-of-function variants in CYP19A1 are known to be pathogenic (PMID: 14602738, 27086564, 27256151).

Literature cited by the submitters: PubMed 14602738; PubMed 27086564; PubMed 27256151.

NC_000015.9:g.(?_51529036)_(51529226_?)del

Gene: CYP19A1 (cytochrome P450 family 19 subfamily A member 1; minus strand). Cytogenetic location: 15q21.2.
Variant type: Deletion.
Identifiers: ClinVar variation 3243895 (VCV003243895.1).